The following is an entry in ClinVar:

NM_013382.7(POMT2):c.816+51T>C

Gene: POMT2 (protein O-mannosyltransferase 2; minus strand). Cytogenetic location: 14q24.3.
Variant type: single nucleotide variant.
Coding change: c.816+51T>C on transcript NM_013382.7 (MANE Select); 51 bases into the intron after coding-DNA position 816, T replaced by C.
Molecular consequence: intron variant.
Genome position (GRCh38, 1-based): chr14:77,301,039, A>G on the plus strand (T>C on the coding strand, the complement: POMT2 is on the minus strand). VCF-style: chr14-77301039-A-G. GRCh37 (hg19) VCF-style: chr14-77767382-A-G.
Identifiers: ClinVar variation 668016 (VCV000668016.2), dbSNP rs2287392, ClinGen allele CA7286077.

ClinVar aggregate classification (germline): Benign. Review status: criteria provided, multiple submitters, no conflicts (2 of 4 stars). 2 submissions from 2 submitters: Benign (2). Last evaluated 2018-06-14.

Allele frequency attached by ClinVar (database versions not stated): ESP Exome Variant Server 0.21944; gnomAD 0.23118 and 0.23620; gnomAD exomes 0.24319 and 0.27632; TOPMed 0.24603; ExAC 0.26812; 1000 Genomes Project 30x 0.29263; 1000 Genomes Project 0.29593.

Submissions (2):

GeneDx
Classification: Benign. Last evaluated: 2018-06-14. Review status: criteria provided, single submitter. Criteria: GeneDx Variant Classification (06012015). Collection method: clinical testing. Allele origin: germline. Affected: yes.
Comment: This variant is considered likely benign or benign based on one or more of the following criteria: it is a conservative change, it occurs at a poorly conserved position in the protein, it is predicted to be benign by multiple in silico algorithms, and/or has population frequency not consistent with disease.

Breakthrough Genomics
Classification: Benign. Review status: criteria provided, single submitter. Criteria: ACMG Guidelines, 2015. Collection method: not provided. Allele origin: germline. Inheritance: Autosomal recessive inheritance. Affected: yes.